The following is an entry in ClinVar:

ClinVar aggregate classification (germline): Likely pathogenic (1 of 4 stars; one submission).

Conditions:
Early onset severe obesity. Identifiers: MedGen C4013980.

Submission:

Cambridge Genomics Laboratory, East Genomic Laboratory Hub, NHS Genomic Medicine Service
Classification: Likely pathogenic for Severe early-onset obesity. Last evaluated: 2024-07-15. Review status: criteria provided, single submitter. Criteria: ACGS Best Practice Guidelines for Variant Classification in Rare Disease 2020. Collection method: clinical testing. Allele origin: germline. Affected: yes.
Comment: The c.2770-1G>C variant is novel (not in any individuals) in gnomAD All. The c.2770-1G>C variant is novel (not in any individuals) in 1kG All. The c.2770-1G>C variant is novel (not in any individuals) in gnomAD Genomes v3 All. (PM2 - Moderate) | This variant results in the loss of an acceptor splice site for the clinically relevant transcript. The gene PHIP has a low rate of benign loss of function variants as indicated by a low upper bound of the observed/expected confidence interval 0.25. The c.2770-1G>C variant is a loss of function variant in the gene PHIP, which is intolerant of Loss of Function variants, as indicated by the presence of existing pathogenic loss of function variant NM_017934.7:c.40+1delG and 60 others. (PVS1_Strong - Strong)

NM_017934.7(PHIP):c.2770-1G>C

Genes: IRAK1BP1 (interleukin 1 receptor associated kinase 1 binding protein 1; plus strand), PHIP (PHIP subunit of CUL4-Ring ligase complex; minus strand). Cytogenetic location: 6q14.1.
Variant type: single nucleotide variant.
Coding change: c.2770-1G>C on transcript NM_017934.7 (MANE Select); the canonical splice acceptor site of the intron before coding-DNA position 2770, G replaced by C.
Molecular consequence: splice acceptor variant.
Genome position (GRCh38, 1-based): chr6:78,978,712, C>G on the plus strand (G>C on the coding strand, the complement: PHIP is on the minus strand). VCF-style: chr6-78978712-C-G. GRCh37 (hg19) VCF-style: chr6-79688429-C-G.
Identifiers: ClinVar variation 4812831 (VCV004812831.1).